The following is an entry in ClinVar:

ClinVar aggregate classification (germline): Pathogenic (1 of 4 stars; one submission).

Conditions:
Primary ciliary dyskinesia. Also called: Ciliary dyskinesia. Identifiers: Orphanet 244, MedGen C0008780, MONDO:0016575, HP:0012265.

Submission:

Labcorp Genetics (formerly Invitae), Labcorp
Classification: Pathogenic for Primary ciliary dyskinesia. Last evaluated: 2022-05-28. Review status: criteria provided, single submitter. Criteria: Invitae Variant Classification Sherloc (09022015). Collection method: clinical testing. Allele origin: germline.
Comment: For these reasons, this variant has been classified as Pathogenic. Algorithms developed to predict the effect of sequence changes on RNA splicing suggest that this variant may disrupt the consensus splice site. This variant has not been reported in the literature in individuals affected with DNAI2-related conditions. This variant is not present in population databases (gnomAD no frequency). This sequence change creates a premature translational stop signal (p.Asn205Thrfs*9) in the DNAI2 gene. It is expected to result in an absent or disrupted protein product. Loss-of-function variants in DNAI2 are known to be pathogenic (PMID: 18950741, 23891469).

Literature cited by the submitters: PubMed 18950741; PubMed 23891469.

NM_023036.6(DNAI2):c.614del (p.Asn205fs)

Gene: DNAI2 (dynein axonemal intermediate chain 2; plus strand). Cytogenetic location: 17q25.1.
Variant type: Deletion.
Coding change: c.614del on transcript NM_023036.6 (MANE Select); coding-DNA position 614, one base deleted (A; older notation c.614delA).
Protein change: p.Asn205fs; shifts the reading frame from asparagine 205.
Molecular consequence: frameshift variant. On other transcripts: non-coding transcript variant (1).
Genome position (GRCh38, 1-based): chr17:74,291,023, A deleted; the last of 4 consecutive A bases (chr17:74,291,020-74,291,023); deleting any one gives the same sequence. VCF-style (leftmost placement, unchanged base first): chr17-74291019-GA-G. GRCh37 (hg19) VCF-style: chr17-72287158-GA-G.
Other names: c.614del, p.Asn205fs (NM_001172810.3, NM_001353167.2); short protein forms N205fs.
Identifiers: ClinVar variation 1999843 (VCV001999843.4), dbSNP rs2509710080, ClinGen allele CA2580095126.
Genomic context (GRCh38, chr17:74,291,019, plus strand): 5'-CTGGTTGATCCTGTCCTTTTCTTTCCGGGCCTGGTGGGGATAATTTTTTTGTGCTTTATA[GA>G]AAACCCCAACAAGCCTGAACTTGCTCTGAAGCCATCGTCTCCACTCGTGACGTTGGAGTT-3'